The following is an entry in ClinVar:

ClinVar aggregate classification (germline): Benign. Review status: reviewed by expert panel (3 of 4 stars). 3 submissions from 3 submitters: Benign (1). 2 of the submissions do not count toward it. Last evaluated 2016-09-28.

Conditions:
Hereditary breast ovarian cancer syndrome. Also called: Hereditary breast and ovarian cancer syndrome; Hereditary breast and ovarian cancer; Hereditary breast and ovarian cancer syndrome (HBOC); BRCA1- and BRCA2-Associated Hereditary Breast and Ovarian Cancer; Hereditary breast and/or ovarian cancer syndrome; Breast and ovarian cancer. Identifiers: Orphanet 145, MedGen C0677776, MeSH D061325, MONDO:0003582. Disease mechanism: loss of function.
Breast-ovarian cancer, familial, susceptibility to, 2 (BROVCA2). Also called: BRCA2 Hereditary Breast and Ovarian Cancer. Identifiers: Orphanet 145, MedGen C2675520, MONDO:0012933, OMIM 612555. Disease mechanism: loss of function.

Allele frequency attached by ClinVar (database versions not stated): TOPMed 0.00002; 1000 Genomes Project 30x 0.00125; 1000 Genomes Project 0.00200.

Submissions (3):

Evidence-based Network for the Interpretation of Germline Mutant Alleles (ENIGMA)
Classification: Benign for Breast-ovarian cancer, familial, susceptibility to, 2. Last evaluated: 2016-09-28. Review status: reviewed by expert panel. Criteria: ENIGMA BRCA1/2 Classification Criteria (2015). Collection method: curation. Allele origin: germline.
Comment: Class 1 not pathogenic based on frequency >1% in an outbred sampleset. Frequency 0.0102 (South Asian), derived from 1000 genomes (2013-05-02).

Labcorp Genetics (formerly Invitae), Labcorp
Classification: Benign for Hereditary breast ovarian cancer syndrome. Last evaluated: 2026-01-12. Review status: criteria provided, single submitter. Criteria: Invitae Variant Classification Sherloc (09022015). Collection method: clinical testing. Allele origin: germline. Not counted in ClinVar's aggregate classification.

CeGaT Center for Human Genetics Tuebingen
Classification: Benign. Last evaluated: 2022-09-01. Review status: criteria provided, single submitter. Criteria: CeGaT Center For Human Genetics Tuebingen Variant Classification Criteria Version 2. Collection method: clinical testing. Allele origin: germline. Affected: yes. Observed: 1 variant allele. Not counted in ClinVar's aggregate classification.
Comment: BRCA2: BP4, BS1, BS2

NM_000059.4(BRCA2):c.-162G>A

Genes: BRCA2 (BRCA2 DNA repair associated; plus strand), LOC106721785 (BRCA2 promoter/silencer region; plus strand). Cytogenetic location: 13q13.1.
Variant type: single nucleotide variant.
Coding change: c.-162G>A on transcript NM_000059.4 (MANE Select); 162 bases upstream of the start codon, G replaced by A.
Molecular consequence: 5 prime UTR variant.
Genome position (GRCh38, 1-based): chr13:32,315,545, G>A. VCF-style: chr13-32315545-G-A. GRCh37 (hg19) VCF-style: chr13-32889682-G-A.
Identifiers: ClinVar variation 264955 (VCV000264955.38), dbSNP rs567110692, ClinGen allele CA10588061.